The following is an entry in ClinVar:

ClinVar aggregate classification (germline): Uncertain significance. Review status: criteria provided, multiple submitters, no conflicts (2 of 4 stars). 3 submissions from 3 submitters: Uncertain significance (3). Last evaluated 2026-05-11.

Conditions:
Inborn genetic diseases. Identifiers: MedGen C0950123, MeSH D030342.

Allele frequency attached by ClinVar (database versions not stated): gnomAD exomes below 0.00001; TOPMed 0.00001; gnomAD 0.00001.
gnomAD v4.1: 3 of 1,613,682 alleles (0.00019%); highest among the groups gnomAD compares: Non-Finnish European, 0.00025%; no homozygotes.

Submissions (3):

Ambry Genetics
Classification: Uncertain significance for Inborn genetic diseases. Last evaluated: 2026-05-11. Review status: criteria provided, single submitter. Criteria: Ambry Variant Classification Scheme 2023. Collection method: clinical testing. Allele origin: germline.

GeneDx
Classification: Uncertain significance. Last evaluated: 2022-11-08. Review status: criteria provided, single submitter. Criteria: GeneDx Variant Classification Process June 2021. Collection method: clinical testing. Allele origin: germline. Affected: yes.
Comment: In silico analysis supports that this missense variant has a deleterious effect on protein structure/function; Has not been previously published as pathogenic or benign to our knowledge

Labcorp Genetics (formerly Invitae), Labcorp
Classification: Uncertain significance. Last evaluated: 2022-05-05. Review status: criteria provided, single submitter. Criteria: Invitae Variant Classification Sherloc (09022015). Collection method: clinical testing. Allele origin: germline.
Comment: In summary, the available evidence is currently insufficient to determine the role of this variant in disease. Therefore, it has been classified as a Variant of Uncertain Significance. Advanced modeling of protein sequence and biophysical properties (such as structural, functional, and spatial information, amino acid conservation, physicochemical variation, residue mobility, and thermodynamic stability) performed at Invitae indicates that this missense variant is not expected to disrupt NSD1 protein function. This variant has not been reported in the literature in individuals affected with NSD1-related conditions. This sequence change replaces proline, which is neutral and non-polar, with leucine, which is neutral and non-polar, at codon 1468 of the NSD1 protein (p.Pro1468Leu). This variant is not present in population databases (gnomAD no frequency).

NM_022455.5(NSD1):c.4403C>T (p.Pro1468Leu)

Gene: NSD1 (nuclear receptor binding SET domain protein 1; plus strand). Cytogenetic location: 5q35.3.
Variant type: single nucleotide variant.
Coding change: c.4403C>T on transcript NM_022455.5 (MANE Select); coding-DNA position 4403, C replaced by T.
Protein change: p.Pro1468Leu; replaces proline 1468 with leucine.
Molecular consequence: missense variant.
Genome position (GRCh38, 1-based): chr5:177,246,702, C>T. VCF-style: chr5-177246702-C-T. GRCh37 (hg19) VCF-style: chr5-176673703-C-T.
Other names: c.4403C>T, p.Pro1468Leu (NM_001409303.1, NM_001409301.1, NM_001409302.1); c.3983C>T, p.Pro1328Leu (NM_001409304.1); c.3650C>T, p.Pro1217Leu (NM_001409305.1); c.3530C>T, p.Pro1177Leu (NM_001409306.1, NM_001409307.1, NM_001409308.1 and 3 more transcripts); short protein forms P1217L, P1468L, P1328L, P1177L, P1199L.
Identifiers: ClinVar variation 2053381 (VCV002053381.6), dbSNP rs1415003698, ClinGen allele CA362348520.